The following is an entry in ClinVar:

NM_004484.4(GPC3):c.1243G>A (p.Val415Met)

Gene: GPC3 (glypican 3; minus strand). Cytogenetic location: Xq26.2.
Variant type: single nucleotide variant.
Coding change: c.1243G>A on transcript NM_004484.4 (MANE Select); coding-DNA position 1243, G replaced by A.
Protein change: p.Val415Met; replaces valine 415 with methionine.
Molecular consequence: missense variant.
Genome position (GRCh38, 1-based): chrX:133,692,418, C>T on the plus strand (G>A on the coding strand, the complement: GPC3 is on the minus strand). VCF-style: chrX-133692418-C-T. GRCh37 (hg19) VCF-style: chrX-132826446-C-T.
Other names: c.1312G>A, p.Val438Met (NM_001164617.2); c.1195G>A, p.Val399Met (NM_001164618.2); c.1081G>A, p.Val361Met (NM_001164619.2); short protein forms V415M, V399M, V361M, V438M.
Identifiers: ClinVar variation 2910916 (VCV002910916.3), dbSNP rs2521131969, ClinGen allele CA414705485.

ClinVar aggregate classification (germline): Uncertain significance (1 of 4 stars; one submission).

Conditions:
Wilms tumor 1 (WT1). Also called: Wilms tumor, somatic. Identifiers: Orphanet 654, MedGen CN033288, MONDO:0008679, OMIM 194070.

Submission:

Labcorp Genetics (formerly Invitae), Labcorp
Classification: Uncertain significance for Wilms tumor 1. Last evaluated: 2023-11-02. Review status: criteria provided, single submitter. Criteria: Invitae Variant Classification Sherloc (09022015). Collection method: clinical testing. Allele origin: germline.
Comment: This sequence change replaces valine, which is neutral and non-polar, with methionine, which is neutral and non-polar, at codon 415 of the GPC3 protein (p.Val415Met). This variant is not present in population databases (gnomAD no frequency). This variant has not been reported in the literature in individuals affected with GPC3-related conditions. Advanced modeling of protein sequence and biophysical properties (such as structural, functional, and spatial information, amino acid conservation, physicochemical variation, residue mobility, and thermodynamic stability) performed at Invitae indicates that this missense variant is not expected to disrupt GPC3 protein function with a negative predictive value of 80%. In summary, the available evidence is currently insufficient to determine the role of this variant in disease. Therefore, it has been classified as a Variant of Uncertain Significance.